The following is an entry in ClinVar:

NM_203446.3(SYNJ1):c.2897T>A (p.Ile966Asn)

Gene: SYNJ1 (synaptojanin 1; minus strand). Cytogenetic location: 21q22.11.
Variant type: single nucleotide variant.
Coding change: c.2897T>A on transcript NM_203446.3 (MANE Select); coding-DNA position 2897, T replaced by A.
Protein change: p.Ile966Asn; replaces isoleucine 966 with asparagine.
Molecular consequence: missense variant.
Genome position (GRCh38, 1-based): chr21:32,650,324, A>T on the plus strand (T>A on the coding strand, the complement: SYNJ1 is on the minus strand). VCF-style: chr21-32650324-A-T. GRCh37 (hg19) VCF-style: chr21-34022634-A-T.
Other names: c.2897T>A, p.Ile966Asn (NM_001160302.2); c.2882T>A, p.Ile961Asn (NM_001160306.2); c.3014T>A, p.Ile1005Asn (NM_003895.4); short protein forms I966N, I1005N, I961N.
Identifiers: ClinVar variation 2060518 (VCV002060518.4), dbSNP rs1484156899, ClinGen allele CA410070802.
Genomic context (GRCh38, chr21:32,650,324, plus strand): 5'-ATTTTCTCTAAACTCATTTCTTCTTCCAAATTTTTGATCCAGTCTGGACTTTTTAAAGCA[A>T]TAGTTATAGTCCGATTCAATAACTAGCGGAGTAAAAGAGATATAAAATAAAGATTAACAT-3'
Protein context (NP_982271.3, residues 956-976): GKELLNRTIT[Ile966Asn]ALKSPDWIKN

ClinVar aggregate classification (germline): Uncertain significance (1 of 4 stars; one submission).

Conditions:
Developmental and epileptic encephalopathy, 53. Also called: Epileptic encephalopathy, early infantile, 53. Identifiers: MedGen C4479313, MONDO:0033362, OMIM 617389.
Early-onset Parkinson disease 20. Also called: PARKINSON DISEASE 20, AUTOSOMAL RECESSIVE EARLY-ONSET. Identifiers: Orphanet 391411, MedGen C3809824, MONDO:0014233, OMIM 615530.

Allele frequency attached by ClinVar (database versions not stated): gnomAD exomes below 0.00001; TOPMed 0.00001.
gnomAD v4.1: 2 of 1,612,240 alleles (0.00012%); highest among the groups gnomAD compares: Non-Finnish European, 0.00017%; no homozygotes.

Submission:

Labcorp Genetics (formerly Invitae), Labcorp
Classification: Uncertain significance for Developmental and epileptic encephalopathy, 53; Early-onset Parkinson disease 20. Last evaluated: 2026-02-02. Review status: criteria provided, single submitter. Criteria: Invitae Variant Classification Sherloc (09022015). Collection method: clinical testing. Allele origin: germline.
Comment: This sequence change replaces isoleucine, which is neutral and non-polar, with asparagine, which is neutral and polar, at codon 1005 of the SYNJ1 protein (p.Ile1005Asn). This variant is present in population databases (no rsID available, gnomAD 0.0009%). This variant has not been reported in the literature in individuals affected with SYNJ1-related conditions. ClinVar contains an entry for this variant (Variation ID: 2060518). Invitae Evidence Modeling of protein sequence and biophysical properties (such as structural, functional, and spatial information, amino acid conservation, physicochemical variation, residue mobility, and thermodynamic stability) indicates that this missense variant is not expected to disrupt SYNJ1 protein function with a negative predictive value of 80%. In summary, the available evidence is currently insufficient to determine the role of this variant in disease. Therefore, it has been classified as a Variant of Uncertain Significance.